The following is an entry in ClinVar:

NM_024301.5(FKRP):c.471C>T (p.Ala157=)

Gene: FKRP (fukutin related protein; plus strand). Cytogenetic location: 19q13.32.
Variant type: single nucleotide variant.
Coding change: c.471C>T on transcript NM_024301.5 (MANE Select); coding-DNA position 471, C replaced by T.
Protein change: p.Ala157=; no amino-acid change (alanine 157 retained).
Molecular consequence: synonymous variant.
Genome position (GRCh38, 1-based): chr19:46,755,921, C>T. VCF-style: chr19-46755921-C-T. GRCh37 (hg19) VCF-style: chr19-47259178-C-T.
Other names: c.471C>T, p.Ala157= (NM_001039885.3).
Identifiers: ClinVar variation 1157495 (VCV001157495.13), dbSNP rs1366423719, ClinGen allele CA507975409.

ClinVar aggregate classification (germline): Likely benign. Review status: criteria provided, multiple submitters, no conflicts (2 of 4 stars). 3 submissions from 3 submitters: Likely benign (2). 1 of the submissions does not count toward it. Last evaluated 2025-03-30.

Conditions:
FKRP-related disorder. Also called: FKRP-related condition.
Cardiovascular phenotype. Identifiers: MedGen CN230736.
Walker-Warburg congenital muscular dystrophy. Also called: Muscular dystrophy-dystroglycanopathy, type A; Walker-Warburg syndrome. Identifiers: Orphanet 899, MedGen C0265221, MONDO:0000171.

Allele frequency attached by ClinVar (database versions not stated): TOPMed 0.00001.

Submissions (3):

Labcorp Genetics (formerly Invitae), Labcorp
Classification: Likely benign for Walker-Warburg congenital muscular dystrophy. Last evaluated: 2025-03-30. Review status: criteria provided, single submitter. Criteria: Invitae Variant Classification Sherloc (09022015). Collection method: clinical testing. Allele origin: germline.

Ambry Genetics
Classification: Likely benign for Cardiovascular phenotype. Last evaluated: 2021-09-07. Review status: criteria provided, single submitter. Criteria: Ambry Variant Classification Scheme 2023. Collection method: clinical testing. Allele origin: germline.

PreventionGenetics, part of Exact Sciences
Classification: Likely benign for FKRP-related condition. Last evaluated: 2020-12-15. Review status: no assertion criteria provided. Collection method: clinical testing. Allele origin: germline. Not counted in ClinVar's aggregate classification.
Comment: This variant is classified as likely benign based on ACMG/AMP sequence variant interpretation guidelines (Richards et al. 2015 PMID: 25741868, with internal and published modifications).